The following is an entry in ClinVar:

ClinVar aggregate classification (germline): Likely benign (1 of 4 stars; one submission).

Allele frequency attached by ClinVar (database versions not stated): TOPMed 0.00005; gnomAD 0.00006.
gnomAD v4.1: 53 of 1,207,822 alleles (0.0044%); highest among the groups gnomAD compares: South Asian, 0.0018%; no homozygotes.

Submission:

CeGaT Center for Human Genetics Tuebingen
Classification: Likely benign. Last evaluated: 2024-02-01. Review status: criteria provided, single submitter. Criteria: CeGaT Center For Human Genetics Tuebingen Variant Classification Criteria Version 2. Collection method: clinical testing. Allele origin: germline. Affected: yes. Observed: 1 variant allele.
Comment: FAM3A: BP4, BP7, BS2

NM_021806.4(FAM3A):c.141G>A (p.Ser47=)

Gene: FAM3A (FAM3 metabolism regulating signaling molecule A; minus strand). Cytogenetic location: Xq28.
Variant type: single nucleotide variant.
Coding change: c.141G>A on transcript NM_021806.4 (MANE Select); coding-DNA position 141, G replaced by A.
Protein change: p.Ser47=; no amino-acid change (serine 47 retained).
Molecular consequence: synonymous variant.
Genome position (GRCh38, 1-based): chrX:154,511,858, C>T on the plus strand (G>A on the coding strand, the complement: FAM3A is on the minus strand). VCF-style: chrX-154511858-C-T. GRCh37 (hg19) VCF-style: chrX-153740191-C-T.
Other names: c.141G>A, p.Ser47= (NM_001171132.3, NM_001171134.3, NM_001282312.2 and 1 more transcripts); c.27G>A, p.Ser9= (NM_001171133.3); c.183G>A, p.Ser61= (NM_001282311.2).
Identifiers: ClinVar variation 2661851 (VCV002661851.24), dbSNP rs782199811, ClinGen allele CA10565898.